The following is an entry in ClinVar:

NM_001204077.2(UBE4A):c.519T>A (p.Ile173=)

Gene: UBE4A (ubiquitination factor E4A; plus strand). Cytogenetic location: 11q23.3.
Variant type: single nucleotide variant.
Coding change: c.519T>A on transcript NM_001204077.2 (MANE Select); coding-DNA position 519, T replaced by A.
Protein change: p.Ile173=; no amino-acid change (isoleucine 173 retained).
Molecular consequence: synonymous variant.
Genome position (GRCh38, 1-based): chr11:118,371,624, T>A. VCF-style: chr11-118371624-T-A. GRCh37 (hg19) VCF-style: chr11-118242339-T-A.
Other names: c.519T>A, p.Ile173= (NM_004788.4).
Identifiers: ClinVar variation 2642414 (VCV002642414.24), dbSNP rs73613946, ClinGen allele CA6302391.

ClinVar aggregate classification (germline): Likely benign. Review status: criteria provided, multiple submitters, no conflicts (2 of 4 stars). 2 submissions from 2 submitters: Likely benign (2). Last evaluated 2026-04-01.

Allele frequency attached by ClinVar (database versions not stated): gnomAD exomes 0.00009; ExAC 0.00029; 1000 Genomes Project 0.00040; 1000 Genomes Project 30x 0.00062; gnomAD 0.00091; TOPMed 0.00107; ESP Exome Variant Server 0.00146.
gnomAD v4.1: 274 of 1,613,656 alleles (0.017%); highest among the groups gnomAD compares: African/African-American, 0.35%; no homozygotes.

Submissions (2):

CeGaT Center for Human Genetics Tuebingen
Classification: Likely benign. Last evaluated: 2026-04-01. Review status: criteria provided, single submitter. Criteria: CeGaT Center For Human Genetics Tuebingen Variant Classification Criteria Version 2. Collection method: clinical testing. Allele origin: germline. Affected: yes. Observed: 2 variant alleles.
Comment: UBE4A: BP4, BP7

Women's Health and Genetics/Laboratory Corporation of America, LabCorp
Classification: Likely benign. Last evaluated: 2025-09-05. Review status: criteria provided, single submitter. Criteria: LabCorp Variant Classification Summary - May 2015. Collection method: clinical testing. Allele origin: germline.